The following is an entry in ClinVar:

ClinVar aggregate classification (germline): Pathogenic. Review status: criteria provided, multiple submitters, no conflicts (2 of 4 stars). 3 submissions from 3 submitters: Pathogenic (3). Last evaluated 2026-08-07.

Conditions:
Cardiovascular phenotype. Identifiers: MedGen CN230736.
Long QT syndrome (LQTS). Identifiers: MedGen C0023976, MeSH D008133, MONDO:0002442. Disease mechanism: loss of function. Inheritance: Various modes of inheritance.

Submissions (3):

GeneDx
Classification: Pathogenic. Last evaluated: 2026-08-07. Review status: criteria provided, single submitter. Criteria: GeneDx Variant Classification Process June 2021. Collection method: clinical testing. Allele origin: germline.
Comment: Nonsense variant predicted to result in protein truncation or nonsense mediated decay in a gene for which loss of function is a known mechanism of disease; Not observed at significant frequency in large population cohorts (gnomAD); This variant is associated with the following publications: (PMID: 25525159, 19862833, 16818214, 18752142, 15840476, 21185501, 19716085)

Labcorp Genetics (formerly Invitae), Labcorp
Classification: Pathogenic for Long QT syndrome. Last evaluated: 2025-03-05. Review status: criteria provided, single submitter. Criteria: Invitae Variant Classification Sherloc (09022015). Collection method: clinical testing. Allele origin: germline.
Comment: This sequence change creates a premature translational stop signal (p.Glu229*) in the KCNH2 gene. It is expected to result in an absent or disrupted protein product. Loss-of-function variants in KCNH2 are known to be pathogenic (PMID: 10973849, 19862833). This variant is not present in population databases (gnomAD no frequency). This premature translational stop signal has been observed in individual(s) with undergoing testing for long QT syndrome (PMID: 15840476, 16818214, 18752142, 19716085). ClinVar contains an entry for this variant (Variation ID: 180379). For these reasons, this variant has been classified as Pathogenic.

Ambry Genetics
Classification: Pathogenic for Cardiovascular phenotype. Last evaluated: 2025-01-24. Review status: criteria provided, single submitter. Criteria: Ambry Variant Classification Scheme 2023. Collection method: clinical testing. Allele origin: germline.
Comment: The p.E229* pathogenic mutation (also known as c.685G>T), located in coding exon 4 of the KCNH2 gene, results from a G to T substitution at nucleotide position 685. This changes the amino acid from a glutamic acid to a stop codon within coding exon 4. This mutation has been reported in multiple unrelated probands in several publications on long QT syndrome clinical genetic testing; however, clinical details are limited (Kapplinger JD et al. Heart Rhythm, 2009 Sep;6:1297-303; Tester DJ et al. Heart Rhythm, 2005 May;2:507-17; Berge KE et al. Scand. J. Clin. Lab. Invest., 2008;68:362-8; Tester DJ et al. Heart Rhythm, 2006 Jul;3:815-21). This variant is considered to be rare based on population cohorts in the Genome Aggregation Database (gnomAD). In addition to the clinical data presented in the literature, this alteration is expected to result in loss of function by premature protein truncation or nonsense-mediated mRNA decay. As such, this alteration is interpreted as a disease-causing mutation.

Literature cited by the submitters: PubMed 10973849 (cited by Labcorp Genetics (formerly Invitae), Labcorp); PubMed 19862833 (cited by Labcorp Genetics (formerly Invitae), Labcorp); PubMed 15840476 (cited by Labcorp Genetics (formerly Invitae), Labcorp and Ambry Genetics); PubMed 16818214 (cited by Labcorp Genetics (formerly Invitae), Labcorp and Ambry Genetics); PubMed 18752142 (cited by Labcorp Genetics (formerly Invitae), Labcorp and Ambry Genetics); PubMed 19716085 (cited by Labcorp Genetics (formerly Invitae), Labcorp and Ambry Genetics).

NM_000238.4(KCNH2):c.685G>T (p.Glu229Ter)

Gene: KCNH2 (potassium voltage-gated channel subfamily H member 2; minus strand). Cytogenetic location: 7q36.1.
Variant type: single nucleotide variant.
Coding change: c.685G>T on transcript NM_000238.4 (MANE Select); coding-DNA position 685, G replaced by T.
Protein change: p.Glu229Ter; replaces glutamic acid 229 with a stop codon.
Molecular consequence: nonsense.
Genome position (GRCh38, 1-based): chr7:150,958,290, C>A on the plus strand (G>T on the coding strand, the complement: KCNH2 is on the minus strand). VCF-style: chr7-150958290-C-A. GRCh37 (hg19) VCF-style: chr7-150655378-C-A.
Other names: c.397G>T, p.Glu133Ter (NM_001406753.1, NM_001406756.1); c.508G>T, p.Glu170Ter (NM_001406755.1); c.385G>T, p.Glu129Ter (NM_001406757.1); c.685G>T, p.Glu229Ter (NM_172056.3); short protein forms E229*, E129*, E170*, E133*.
Identifiers: ClinVar variation 180379 (VCV000180379.14), dbSNP rs730880116, ClinGen allele CA008681.